The following is an entry in ClinVar:

ClinVar aggregate classification (germline): Pathogenic (1 of 4 stars; one submission).

Conditions:
Ehlers-Danlos syndrome due to tenascin-X deficiency (EDSCLL1). Also called: EDS DUE TO TNX DEFICIENCY; TNX DEFICIENCY; Ehlers-Danlos syndrome, classic-like, 1; EHLERS-DANLOS SYNDROME, CLASSIC-LIKE; TNXB-Related Classical-Like Ehlers-Danlos Syndrome. Identifiers: Orphanet 230839, MedGen C1848029, MONDO:0011670, OMIM 606408.

Submission:

Myriad Genetics, Inc.
Classification: Pathogenic for Ehlers-Danlos syndrome due to tenascin-X deficiency. Last evaluated: 2025-09-14. Review status: criteria provided, single submitter. Criteria: Myriad Autosomal Dominant, Autosomal Recessive and X-Linked Classification Criteria (2023). Collection method: clinical testing. Allele origin: unknown.
Comment: NM_019105.6(TNXB):c.5535C>G(Y1845*) is expected to be pathogenic in the context of classical-like Ehlers-Danlos syndrome, TNXB-related. This variant is predicted to lead to an abnormal or absent protein product due to the creation of a premature termination codon in TNXB, a gene where loss-of-function variants are known to be pathogenic. Please note: this variant was assessed in the context of healthy population screening.

NM_001365276.2(TNXB):c.5535C>G (p.Tyr1845Ter)

Gene: TNXB (tenascin XB; minus strand). Cytogenetic location: 6p21.33.
Variant type: single nucleotide variant.
Coding change: c.5535C>G on transcript NM_001365276.2 (MANE Select); coding-DNA position 5535, C replaced by G.
Protein change: p.Tyr1845Ter; replaces tyrosine 1845 with a stop codon.
Molecular consequence: nonsense.
Genome position (GRCh38, 1-based): chr6:32,069,605, G>C on the plus strand (C>G on the coding strand, the complement: TNXB is on the minus strand). VCF-style: chr6-32069605-G-C. GRCh37 (hg19) VCF-style: chr6-32037382-G-C.
Other names: c.6276C>G, p.Tyr2092Ter (NM_001428335.1); c.5535C>G, p.Tyr1845Ter (NM_019105.8); short protein forms Y1845*, Y2092*.
Identifiers: ClinVar variation 5014980 (VCV005014980.1).
Genomic context (GRCh38, chr6:32,069,605, plus strand): 5'-ACACTCACCAGTAATGGCGACGGCCGAGATGGGGCCCACACGCTTGCCGTGGTGCAGCCC[G>C]TAGAGCAGCAGCTTGTACCTGTGGGCAGGGTCCAGGCCCGGCACGCTGACCTCCCTGAGG-3'